The following is an entry in ClinVar:

ClinVar aggregate classification (germline): Likely benign. Review status: criteria provided, multiple submitters, no conflicts (2 of 4 stars). 2 submissions from 2 submitters: Likely benign (2). Last evaluated 2024-02-17.

Conditions:
Epilepsy, childhood absence 4 (ECA4). Also called: EPILEPSY, CHILDHOOD ABSENCE, SUSCEPTIBILITY TO, 4. Identifiers: Orphanet 307, MedGen C1970160.
Idiopathic generalized epilepsy. Also called: Generalised epilepsy; EIG. Identifiers: MedGen C0270850, MONDO:0005579, OMIM 600669.
Epilepsy, idiopathic generalized, susceptibility to, 13. Also called: EPILEPSY, JUVENILE MYOCLONIC, SUSCEPTIBILITY TO, 5. Identifiers: Orphanet 307, Orphanet 64280, MedGen C4013473, MONDO:0012627, OMIM 611136.

Allele frequency attached by ClinVar (database versions not stated): gnomAD exomes below 0.00001; TOPMed below 0.00001.
gnomAD v4.1: 4 of 1,613,668 alleles (0.00025%); highest among the groups gnomAD compares: Non-Finnish European, 0.00034%; no homozygotes.

Submissions (2):

Labcorp Genetics (formerly Invitae), Labcorp
Classification: Likely benign for Epilepsy, childhood absence 4; Epilepsy, idiopathic generalized, susceptibility to, 13; Idiopathic generalized epilepsy. Last evaluated: 2024-02-17. Review status: criteria provided, single submitter. Criteria: Invitae Variant Classification Sherloc (09022015). Collection method: clinical testing. Allele origin: germline.

GeneDx
Classification: Likely benign. Last evaluated: 2017-09-01. Review status: criteria provided, single submitter. Criteria: GeneDx Variant Classification (06012015). Collection method: clinical testing. Allele origin: germline. Affected: yes.
Comment: This variant is considered likely benign or benign based on one or more of the following criteria: it is a conservative change, it occurs at a poorly conserved position in the protein, it is predicted to be benign by multiple in silico algorithms, and/or has population frequency not consistent with disease.

NM_001127644.2(GABRA1):c.453T>C (p.Asp151=)

Gene: GABRA1 (gamma-aminobutyric acid type A receptor subunit alpha1; plus strand). Cytogenetic location: 5q34.
Variant type: single nucleotide variant.
Coding change: c.453T>C on transcript NM_001127644.2 (MANE Select); coding-DNA position 453, T replaced by C.
Protein change: p.Asp151=; no amino-acid change (aspartic acid 151 retained).
Molecular consequence: synonymous variant.
Genome position (GRCh38, 1-based): chr5:161,873,314, T>C. VCF-style: chr5-161873314-T-C. GRCh37 (hg19) VCF-style: chr5-161300320-T-C.
Other names: c.453T>C, p.Asp151= (NM_000806.5, NM_001127643.2, NM_001127645.2 and 1 more transcripts).
Identifiers: ClinVar variation 511883 (VCV000511883.9), dbSNP rs1308271547, ClinGen allele CA447609083.